The following is an entry in ClinVar:

ClinVar aggregate classification (germline): Benign/Likely benign. Review status: criteria provided, multiple submitters, no conflicts (2 of 4 stars). 3 submissions from 3 submitters: Benign (2); Likely benign (1). Last evaluated 2026-08-11.

Conditions:
PRDM13-related disorder. Also called: PRDM13-related condition.

Allele frequency attached by ClinVar (database versions not stated): gnomAD exomes 0.00054; ExAC 0.00068; 1000 Genomes Project 0.00120; 1000 Genomes Project 30x 0.00125; gnomAD 0.00237 and 0.00261; TOPMed 0.00260; ESP Exome Variant Server 0.00278.

Submissions (3):

PreventionGenetics, part of Exact Sciences
Classification: Benign for PRDM13-related condition. Last evaluated: 2026-08-11. Review status: criteria provided, single submitter. Criteria: ACMG Guidelines, 2015. Collection method: clinical testing. Allele origin: germline.
Comment: This variant is classified as benign based on ACMG/AMP sequence variant interpretation guidelines (Richards et al. 2015 PMID: 25741868, with internal and published modifications).

Labcorp Genetics (formerly Invitae), Labcorp
Classification: Benign. Last evaluated: 2026-01-05. Review status: criteria provided, single submitter. Criteria: Invitae Variant Classification Sherloc (09022015). Collection method: clinical testing. Allele origin: germline.

Blueprint Genetics
Classification: Likely benign. Last evaluated: 2024-05-27. Review status: criteria provided, single submitter. Criteria: ACMG Guidelines, 2015. Collection method: clinical testing. Allele origin: germline.

NM_021620.4(PRDM13):c.1972C>G (p.Leu658Val)

Gene: PRDM13 (PR/SET domain 13; plus strand). Cytogenetic location: 6q16.2.
Variant type: single nucleotide variant.
Coding change: c.1972C>G on transcript NM_021620.4 (MANE Select); coding-DNA position 1972, C replaced by G.
Protein change: p.Leu658Val; replaces leucine 658 with valine.
Molecular consequence: missense variant.
Genome position (GRCh38, 1-based): chr6:99,614,607, C>G. VCF-style: chr6-99614607-C-G. GRCh37 (hg19) VCF-style: chr6-100062483-C-G.
Other names: c.1972C>G (NM_021620.3); short protein forms L658V.
Identifiers: ClinVar variation 1166728 (VCV001166728.11), dbSNP rs200140753, ClinGen allele CA3936473.
Genomic context (GRCh38, chr6:99,614,607, plus strand): 5'-GTACTTGTGCGCCGCCGGGACCTGGAGCGACATGTCAAGTCCCGCCACCCTGGCCAGAGT[C>G]TGCTCGCCAAAGCGGGCGACGGCCCGGGTGCCGAGCCCGGCTATCCCCCGGAGCCTGGGG-3'
Protein context (NP_067633.2, residues 648-668): HVKSRHPGQS[Leu658Val]LAKAGDGPGA